The following is an entry in ClinVar:

ClinVar aggregate classification (germline): Uncertain significance (1 of 4 stars; one submission).

Conditions:
Supravalvar aortic stenosis (SVAS). Also called: Supravalvar aortic stenosis, Eisenberg type. Identifiers: Orphanet 3193, MedGen C0003499, MONDO:0008504, OMIM 185500, HP:0004381.

Submission:

Labcorp Genetics (formerly Invitae), Labcorp
Classification: Uncertain significance for Supravalvar aortic stenosis. Last evaluated: 2025-10-01. Review status: criteria provided, single submitter. Criteria: Invitae Variant Classification Sherloc (09022015). Collection method: clinical testing. Allele origin: germline.
Comment: This sequence change replaces alanine, which is neutral and non-polar, with serine, which is neutral and polar, at codon 689 of the ELN protein (p.Ala689Ser). This variant is not present in population databases (gnomAD no frequency). This variant has not been reported in the literature in individuals affected with ELN-related conditions. Invitae Evidence Modeling of protein sequence and biophysical properties (such as structural, functional, and spatial information, amino acid conservation, physicochemical variation, residue mobility, and thermodynamic stability) indicates that this missense variant is not expected to disrupt ELN protein function with a negative predictive value of 80%. In summary, the available evidence is currently insufficient to determine the role of this variant in disease. Therefore, it has been classified as a Variant of Uncertain Significance.

NM_000501.4(ELN):c.1879G>T (p.Ala627Ser)

Gene: ELN (elastin; plus strand). Cytogenetic location: 7q11.23.
Variant type: single nucleotide variant.
Coding change: c.1879G>T on transcript NM_000501.4 (MANE Select); coding-DNA position 1879, G replaced by T.
Protein change: p.Ala627Ser; replaces alanine 627 with serine.
Molecular consequence: missense variant.
Genome position (GRCh38, 1-based): chr7:74,063,330, G>T. VCF-style: chr7-74063330-G-T. GRCh37 (hg19) VCF-style: chr7-73477660-G-T.
Other names: c.1792G>T, p.Ala598Ser (NM_001081752.3); c.1837G>T, p.Ala613Ser (NM_001081753.3); c.1894G>T, p.Ala632Ser (NM_001081754.3); c.1822G>T, p.Ala608Ser (NM_001081755.3); c.1879G>T, p.Ala627Ser (NM_001278912.2); c.1636G>T, p.Ala546Ser (NM_001278913.2); c.1807G>T, p.Ala603Ser (NM_001278914.2); c.1897G>T, p.Ala633Ser (NM_001278915.2); and 4 more; short protein forms A633S, A538S, A546S, A598S, A627S, A689S, A579S, A617S.
Identifiers: ClinVar variation 4722917 (VCV004722917.1).